The following is an entry in ClinVar:

NM_052844.4(DYNC2I2):c.1500G>C (p.Ala500=)

Gene: DYNC2I2 (dynein 2 intermediate chain 2; minus strand). Cytogenetic location: 9q34.11.
Variant type: single nucleotide variant.
Coding change: c.1500G>C on transcript NM_052844.4 (MANE Select); coding-DNA position 1500, G replaced by C.
Protein change: p.Ala500=; no amino-acid change (alanine 500 retained).
Molecular consequence: synonymous variant.
Genome position (GRCh38, 1-based): chr9:128,633,855, C>G on the plus strand (G>C on the coding strand, the complement: DYNC2I2 is on the minus strand). VCF-style: chr9-128633855-C-G. GRCh37 (hg19) VCF-style: chr9-131396134-C-G.
Identifiers: ClinVar variation 4534952 (VCV004534952.6).

ClinVar aggregate classification (germline): Likely benign (1 of 4 stars; one submission).

Submission:

CeGaT Center for Human Genetics Tuebingen
Classification: Likely benign. Last evaluated: 2025-10-01. Review status: criteria provided, single submitter. Criteria: CeGaT Center For Human Genetics Tuebingen Variant Classification Criteria Version 2. Collection method: clinical testing. Allele origin: germline. Affected: yes. Observed: 1 variant allele.
Comment: DYNC2I2: PM2:Supporting, BP4, BP7